The following is an entry in ClinVar:

ClinVar aggregate classification (germline): Uncertain significance (1 of 4 stars; one submission).

Submission:

GeneDx
Classification: Uncertain significance. Last evaluated: 2022-09-19. Review status: criteria provided, single submitter. Criteria: GeneDx Variant Classification Process June 2021. Collection method: clinical testing. Allele origin: germline. Affected: yes.
Comment: Not observed at significant frequency in large population cohorts (gnomAD); Missense variants in this gene are often considered pathogenic (HGMD); In silico analysis supports that this missense variant has a deleterious effect on protein structure/function; Has not been previously published as pathogenic or benign to our knowledge; This substitution is predicted to be in the cytoplasmic loop between the first and second homologous domains

NM_001040142.2(SCN2A):c.1921A>G (p.Asn641Asp)

Gene: SCN2A (sodium voltage-gated channel alpha subunit 2; plus strand). Cytogenetic location: 2q24.3.
Variant type: single nucleotide variant.
Coding change: c.1921A>G on transcript NM_001040142.2 (MANE Select); coding-DNA position 1921, A replaced by G.
Protein change: p.Asn641Asp; replaces asparagine 641 with aspartic acid.
Molecular consequence: missense variant.
Genome position (GRCh38, 1-based): chr2:165,323,405, A>G. VCF-style: chr2-165323405-A-G. GRCh37 (hg19) VCF-style: chr2-166179915-A-G.
Other names: c.1921A>G, p.Asn641Asp (NM_001040143.2, NM_001371246.1, NM_001371247.1 and 1 more transcripts); short protein forms N641D.
Identifiers: ClinVar variation 2444836 (VCV002444836.1), dbSNP rs2467934221, ClinGen allele CA349027462.